The following is an entry in ClinVar:

NM_000535.7(PMS2):c.723T>A (p.Pro241=)

Gene: PMS2 (PMS1 homolog 2, mismatch repair system component; minus strand). Cytogenetic location: 7p22.1.
Variant type: single nucleotide variant.
Coding change: c.723T>A on transcript NM_000535.7 (MANE Select); coding-DNA position 723, T replaced by A.
Protein change: p.Pro241=; no amino-acid change (proline 241 retained).
Molecular consequence: synonymous variant. On other transcripts: 5 prime UTR variant (2), non-coding transcript variant (1).
Genome position (GRCh38, 1-based): chr7:5,997,406, A>T on the plus strand (T>A on the coding strand, the complement: PMS2 is on the minus strand). VCF-style: chr7-5997406-A-T. GRCh37 (hg19) VCF-style: chr7-6037037-A-T.
Other names: c.318T>A, p.Pro106= (NM_001322003.2, NM_001322004.2, NM_001322005.2 and 2 more transcripts); c.723T>A, p.Pro241= (NM_001322006.2, NM_001322014.2); c.405T>A, p.Pro135= (NM_001322007.2, NM_001322008.2); c.-211T>A (NM_001322011.2, NM_001322012.2); c.150T>A, p.Pro50= (NM_001322013.2); c.414T>A, p.Pro138= (NM_001322015.2).
Identifiers: ClinVar variation 455738 (VCV000455738.10), dbSNP rs1554301521, ClinGen allele CA453646198.
Genomic context (GRCh38, chr7:5,997,406, plus strand): 5'-ATCGGAACAGCTCAAACCGTACTCTTCACACACGGAGTCACTAGGGGGCAGCTGAACAAA[A>T]GGAATGAGGCTTTGCAACTGAAAAAAAAAAAAAAAAATTCACAGTTACTTCCTAATAAAG-3'
Protein context (NP_000526.2, residues 231-251): FGQKQLQSLI[Pro241=]FVQLPPSDSV

ClinVar aggregate classification (germline): Benign/Likely benign. Review status: criteria provided, multiple submitters, no conflicts (2 of 4 stars). 3 submissions from 3 submitters: Benign (1); Likely benign (2). Last evaluated 2026-08-08.

Conditions:
Hereditary nonpolyposis colorectal neoplasms. Identifiers: MedGen C0009405, MeSH D003123.
Lynch syndrome 4 (LYNCH4). Also called: Colorectal cancer, hereditary nonpolyposis, type 4; Hereditary non-polyposis colorectal cancer, type 4. Identifiers: Orphanet 144, MedGen C1838333, MONDO:0013699, OMIM 614337. Disease mechanism: loss of function.
Hereditary cancer-predisposing syndrome. Also called: Neoplastic Syndromes, Hereditary; Hereditary neoplastic syndrome; Hereditary Cancer Syndrome; Tumor predisposition. Identifiers: Orphanet 140162, MedGen C0027672, MeSH D009386, MONDO:0015356.

Submissions (3):

Ambry Genetics
Classification: Likely benign for Hereditary cancer-predisposing syndrome. Last evaluated: 2026-08-08. Review status: criteria provided, single submitter. Criteria: Ambry Variant Classification Scheme 2023. Collection method: clinical testing. Allele origin: germline.

Labcorp Genetics (formerly Invitae), Labcorp
Classification: Likely benign for Hereditary nonpolyposis colorectal neoplasms. Last evaluated: 2025-05-13. Review status: criteria provided, single submitter. Criteria: Invitae Variant Classification Sherloc (09022015). Collection method: clinical testing. Allele origin: germline.

Myriad Genetics, Inc.
Classification: Benign for Lynch syndrome 4. Last evaluated: 2025-01-28. Review status: criteria provided, single submitter. Criteria: Myriad Autosomal Dominant, Autosomal Recessive and X-Linked Classification Criteria (2023). Collection method: clinical testing. Allele origin: unknown.
Comment: This variant is considered benign. This variant is a silent/synonymous amino acid change and it is not expected to impact splicing.